The following is an entry in ClinVar:

ClinVar aggregate classification (germline): Likely benign (1 of 4 stars; one submission).

Allele frequency attached by ClinVar (database versions not stated): ExAC 0.00002; TOPMed 0.00002; gnomAD 0.00003.
gnomAD v4.1: 209 of 1,613,996 alleles (0.013%); highest among the groups gnomAD compares: Non-Finnish European, 0.017%; no homozygotes.

Submission:

GeneDx
Classification: Likely benign. Last evaluated: 2018-02-28. Review status: criteria provided, single submitter. Criteria: GeneDx Variant Classification (06012015). Collection method: clinical testing. Allele origin: germline. Affected: yes.
Comment: This variant is considered likely benign or benign based on one or more of the following criteria: it is a conservative change, it occurs at a poorly conserved position in the protein, it is predicted to be benign by multiple in silico algorithms, and/or has population frequency not consistent with disease.

NM_006420.3(ARFGEF2):c.285C>T (p.Ile95=)

Gene: ARFGEF2 (ARF guanine nucleotide exchange factor 2; plus strand). Cytogenetic location: 20q13.13.
Variant type: single nucleotide variant.
Coding change: c.285C>T on transcript NM_006420.3 (MANE Select); coding-DNA position 285, C replaced by T.
Protein change: p.Ile95=; no amino-acid change (isoleucine 95 retained).
Molecular consequence: synonymous variant.
Genome position (GRCh38, 1-based): chr20:48,951,331, C>T. VCF-style: chr20-48951331-C-T. GRCh37 (hg19) VCF-style: chr20-47567868-C-T.
Identifiers: ClinVar variation 515718 (VCV000515718.1), dbSNP rs767399617, ClinGen allele CA9898123.